The following is an entry in ClinVar:

NM_005026.5(PIK3CD):c.800A>G (p.His267Arg)

Gene: PIK3CD (phosphatidylinositol-4,5-bisphosphate 3-kinase catalytic subunit delta; plus strand). Cytogenetic location: 1p36.22.
Variant type: single nucleotide variant.
Coding change: c.800A>G on transcript NM_005026.5 (MANE Select); coding-DNA position 800, A replaced by G.
Protein change: p.His267Arg; replaces histidine 267 with arginine.
Molecular consequence: missense variant. On other transcripts: intron variant (1).
Genome position (GRCh38, 1-based): chr1:9,716,978, A>G. VCF-style: chr1-9716978-A-G. GRCh37 (hg19) VCF-style: chr1-9777036-A-G.
Other names: c.800A>G, p.His267Arg (NM_001350234.2); c.781-68A>G (NM_001350235.1); short protein forms H267R.
Identifiers: ClinVar variation 1959073 (VCV001959073.5), dbSNP rs775936372, ClinGen allele CA576992.

ClinVar aggregate classification (germline): Uncertain significance (1 of 4 stars; one submission).

Conditions:
Immunodeficiency 14 (IMD14A). Also called: Activated PI3K Delta Syndrome Type 1 (APDS1); p110-DELTA-ACTIVATING MUTATION CAUSING SENESCENT T CELLS, LYMPHADENOPATHY, AND IMMUNODEFICIENCY; IMMUNODEFICIENCY 14A WITH LYMPHOPROLIFERATION, AUTOSOMAL DOMINANT; ACTIVATED PI3K-DELTA SYNDROME 1. Identifiers: Orphanet 397596, Orphanet 693661, MedGen C5907821, MONDO:0014222, OMIM 615513.

Allele frequency attached by ClinVar (database versions not stated): gnomAD exomes below 0.00001; ExAC 0.00001.
gnomAD v4.1: 6 of 1,613,826 alleles (0.00037%); highest among the groups gnomAD compares: Admixed American, 0.0083%; no homozygotes.

Submission:

Labcorp Genetics (formerly Invitae), Labcorp
Classification: Uncertain significance for Activated PI3K-delta syndrome. Last evaluated: 2025-08-25. Review status: criteria provided, single submitter. Criteria: Invitae Variant Classification Sherloc (09022015). Collection method: clinical testing. Allele origin: germline.
Comment: This sequence change replaces histidine, which is basic and polar, with arginine, which is basic and polar, at codon 267 of the PIK3CD protein (p.His267Arg). This variant is present in population databases (rs775936372, gnomAD 0.003%). This variant has not been reported in the literature in individuals affected with PIK3CD-related conditions. ClinVar contains an entry for this variant (Variation ID: 1959073). Invitae Evidence Modeling of protein sequence and biophysical properties (such as structural, functional, and spatial information, amino acid conservation, physicochemical variation, residue mobility, and thermodynamic stability) indicates that this missense variant is not expected to disrupt PIK3CD protein function with a negative predictive value of 80%. In summary, the available evidence is currently insufficient to determine the role of this variant in disease. Therefore, it has been classified as a Variant of Uncertain Significance.